The following is an entry in ClinVar:

NM_000041.4(APOE):c.250G>A (p.Glu84Lys)

Gene: APOE (apolipoprotein E; plus strand). Cytogenetic location: 19q13.32.
Variant type: single nucleotide variant.
Coding change: c.250G>A on transcript NM_000041.4 (MANE Select); coding-DNA position 250, G replaced by A.
Protein change: p.Glu84Lys; replaces glutamic acid 84 with lysine.
Molecular consequence: missense variant.
Genome position (GRCh38, 1-based): chr19:44,908,546, G>A. VCF-style: chr19-44908546-G-A. GRCh37 (hg19) VCF-style: chr19-45411803-G-A.
Other names: c.328G>A, p.Glu110Lys (NM_001302688.2); c.250G>A, p.Glu84Lys (NM_001302689.2, NM_001302690.2, NM_001302691.2); short protein forms E110K, E84K.
Identifiers: ClinVar variation 5009146 (VCV005009146.1).

ClinVar aggregate classification (germline): Uncertain significance (1 of 4 stars; one submission).

gnomAD v4.1: 7 of 1,613,636 alleles (0.00043%); highest among the groups gnomAD compares: South Asian, 0.0033%; no homozygotes.

Submission:

GeneDx
Classification: Uncertain significance. Last evaluated: 2026-03-15. Review status: criteria provided, single submitter. Criteria: GeneDx Variant Classification Process June 2021. Collection method: clinical testing. Allele origin: germline.
Comment: Not observed at significant frequency in large population cohorts (gnomAD); In silico analysis supports that this missense variant has a deleterious effect on protein structure/function; Has not been previously published as pathogenic or benign to our knowledge